The following is an entry in ClinVar:

NM_203475.3(PORCN):c.1261G>A (p.Val421Met)

Gene: PORCN (porcupine O-acyltransferase; plus strand). Cytogenetic location: Xp11.23.
Variant type: single nucleotide variant.
Coding change: c.1261G>A on transcript NM_203475.3 (MANE Select); coding-DNA position 1261, G replaced by A.
Protein change: p.Val421Met; replaces valine 421 with methionine.
Molecular consequence: missense variant.
Genome position (GRCh38, 1-based): chrX:48,517,270, G>A. VCF-style: chrX-48517270-G-A. GRCh37 (hg19) VCF-style: chrX-48375658-G-A.
Other names: c.1015G>A, p.Val339Met (NM_001282167.2); c.1228G>A, p.Val410Met (NM_022825.4); c.1246G>A, p.Val416Met (NM_203473.3); c.1243G>A, p.Val415Met (NM_203474.1); short protein forms V416M, V410M, V415M, V339M, V421M.
Identifiers: ClinVar variation 1763310 (VCV001763310.2), dbSNP rs984923291, ClinGen allele CA329070546.
Genomic context (GRCh38, chrX:48,517,270, plus strand): 5'-CTCTTTGGAGCTCTGGCCATCTTCCACCTGGCCTACCTGGGCTCCCTGTTTGATGTCGAT[G>A]TGGATGACACCACAGAGGAGCAGGTGAGGTGGGGCCCTGGGCTGTGTGGTTAACCAAGGG-3'
Protein context (NP_982301.1, residues 411-431): AYLGSLFDVD[Val421Met]DDTTEEQGYG

ClinVar aggregate classification (germline): Uncertain significance (1 of 4 stars; one submission).

Conditions:
Inborn genetic diseases. Identifiers: MedGen C0950123, MeSH D030342.

Allele frequency attached by ClinVar (database versions not stated): gnomAD exomes below 0.00001; gnomAD 0.00001; TOPMed 0.00001.

Submission:

Ambry Genetics
Classification: Uncertain significance for Inborn genetic diseases. Last evaluated: 2019-03-25. Review status: criteria provided, single submitter. Criteria: Ambry Variant Classification Scheme 2023. Collection method: clinical testing. Allele origin: germline.
Comment: The p.V421M variant (also known as c.1261G>A), located in coding exon 13 of the PORCN gene, results from a G to A substitution at nucleotide position 1261. The valine at codon 421 is replaced by methionine, an amino acid with highly similar properties. This amino acid position is not well conserved in available vertebrate species. In addition, the in silico prediction for this alteration is inconclusive. Since supporting evidence is limited at this time, the clinical significance of this alteration remains unclear.